The following is an entry in ClinVar:

NM_152617.4(RNF168):c.578G>A (p.Ser193Asn)

Gene: RNF168 (ring finger protein 168; minus strand). Cytogenetic location: 3q29.
Variant type: single nucleotide variant.
Coding change: c.578G>A on transcript NM_152617.4 (MANE Select); coding-DNA position 578, G replaced by A.
Protein change: p.Ser193Asn; replaces serine 193 with asparagine.
Molecular consequence: missense variant.
Genome position (GRCh38, 1-based): chr3:196,483,872, C>T on the plus strand (G>A on the coding strand, the complement: RNF168 is on the minus strand). VCF-style: chr3-196483872-C-T. GRCh37 (hg19) VCF-style: chr3-196210743-C-T.
Other names: short protein forms S193N.
Identifiers: ClinVar variation 1482635 (VCV001482635.5), dbSNP rs774159318, ClinGen allele CA2780880.

ClinVar aggregate classification (germline): Uncertain significance (1 of 4 stars; one submission).

Allele frequency attached by ClinVar (database versions not stated): ExAC 0.00002; gnomAD 0.00003 and 0.00004; TOPMed 0.00003.
gnomAD v4.1: 19 of 1,608,932 alleles (0.0012%); highest among the groups gnomAD compares: Non-Finnish European, 0.0014%; no homozygotes.

Submission:

Labcorp Genetics (formerly Invitae), Labcorp
Classification: Uncertain significance. Last evaluated: 2021-08-28. Review status: criteria provided, single submitter. Criteria: Invitae Variant Classification Sherloc (09022015). Collection method: clinical testing. Allele origin: germline.
Comment: This sequence change replaces serine with asparagine at codon 193 of the RNF168 protein (p.Ser193Asn). The serine residue is weakly conserved and there is a small physicochemical difference between serine and asparagine. This variant is present in population databases (rs774159318, ExAC 0.003%). This variant has not been reported in the literature in individuals affected with RNF168-related conditions. Algorithms developed to predict the effect of missense changes on protein structure and function output the following: SIFT: "Tolerated"; PolyPhen-2: "Benign"; Align-GVGD: "Class C0". The asparagine amino acid residue is found in multiple mammalian species, which suggests that this missense change does not adversely affect protein function. In summary, the available evidence is currently insufficient to determine the role of this variant in disease. Therefore, it has been classified as a Variant of Uncertain Significance.